The following is an entry in ClinVar:

ClinVar aggregate classification (germline): Uncertain significance (1 of 4 stars; one submission).

Submission:

Labcorp Genetics (formerly Invitae), Labcorp
Classification: Uncertain significance. Last evaluated: 2022-09-02. Review status: criteria provided, single submitter. Criteria: Invitae Variant Classification Sherloc (09022015). Collection method: clinical testing. Allele origin: germline.
Comment: In summary, the available evidence is currently insufficient to determine the role of this variant in disease. Therefore, it has been classified as a Variant of Uncertain Significance. This variant has not been reported in the literature in individuals affected with ADGRE2-related conditions. A gross deletion of the genomic region encompassing the full coding sequence of the ADGRE2 gene has been identified. The current clinical and genetic evidence is not sufficient to establish whether loss-of-function variants in ADGRE2 cause disease. The boundaries of this event are unknown as they extend beyond the assayed region for this gene and therefore may encompass additional genes.

NC_000019.9:g.(?_14847048)_(17394124_?)del

Genes: OR7A5 (olfactory receptor family 7 subfamily A member 5; minus strand), OR7C2 (olfactory receptor family 7 subfamily C member 2; plus strand), OR7C1 (olfactory receptor family 7 subfamily C member 1; minus strand), PGLYRP2 (peptidoglycan recognition protein 2; minus strand), SLC1A6 (solute carrier family 1 member 6; minus strand) and 54 more. Cytogenetic location: 19p13.12-13.11.
Variant type: Deletion.
Identifiers: ClinVar variation 2425869 (VCV002425869.5).